The following is an entry in ClinVar:

NM_003500.4(ACOX2):c.160+5G>A

Gene: ACOX2 (acyl-CoA oxidase 2; minus strand). Cytogenetic location: 3p14.3.
Variant type: single nucleotide variant.
Coding change: c.160+5G>A on transcript NM_003500.4 (MANE Select); 5 bases into the intron after coding-DNA position 160, G replaced by A.
Molecular consequence: intron variant.
Genome position (GRCh38, 1-based): chr3:58,534,942, C>T on the plus strand (G>A on the coding strand, the complement: ACOX2 is on the minus strand). VCF-style: chr3-58534942-C-T. GRCh37 (hg19) VCF-style: chr3-58520669-C-T.
Identifiers: ClinVar variation 1384458 (VCV001384458.6), dbSNP rs200690240, ClinGen allele CA2472531.
Genomic context (GRCh38, chr3:58,534,942, plus strand): 5'-GGACTCTTCTTACAAGAGAAGCATGGGGCATAAAACAGATGTCCCATTCCCCAGCTTCCC[C>T]TTACCAACTTTCCTGCGGAGTGCAGTGTTCTGGGCACCTCCATCAAGGATGTTGGTGAGC-3'

ClinVar aggregate classification (germline): Uncertain significance (1 of 4 stars; one submission).

Allele frequency attached by ClinVar (database versions not stated): TOPMed 0.00009; gnomAD 0.00016; ESP Exome Variant Server 0.00023; gnomAD exomes 0.00023 and 0.00031; ExAC 0.00046.
gnomAD v4.1: 367 of 1,614,012 alleles (0.023%); highest among the groups gnomAD compares: Non-Finnish European, 0.025%; 5 homozygotes.

Submission:

Labcorp Genetics (formerly Invitae), Labcorp
Classification: Uncertain significance. Last evaluated: 2025-08-04. Review status: criteria provided, single submitter. Criteria: Invitae Variant Classification Sherloc (09022015). Collection method: clinical testing. Allele origin: germline.
Comment: This sequence change falls in intron 2 of the ACOX2 gene. It does not directly change the encoded amino acid sequence of the ACOX2 protein. It affects a nucleotide within the consensus splice site. This variant is present in population databases (rs200690240, gnomAD 0.1%), and has an allele count higher than expected for a pathogenic variant. This variant has not been reported in the literature in individuals affected with ACOX2-related conditions. ClinVar contains an entry for this variant (Variation ID: 1384458). Variants that disrupt the consensus splice site are a relatively common cause of aberrant splicing (PMID: 17576681, 9536098). Algorithms developed to predict the effect of sequence changes on RNA splicing suggest that this variant may disrupt the consensus splice site. In summary, the available evidence is currently insufficient to determine the role of this variant in disease. Therefore, it has been classified as a Variant of Uncertain Significance.

Literature cited by the submitters: PubMed 17576681; PubMed 9536098.